The following is an entry in ClinVar:

NM_001130004.2(ACTN1):c.922G>A (p.Ala308Thr)

Gene: ACTN1 (actinin alpha 1; minus strand). Cytogenetic location: 14q24.1.
Variant type: single nucleotide variant.
Coding change: c.922G>A on transcript NM_001130004.2 (MANE Select); coding-DNA position 922, G replaced by A.
Protein change: p.Ala308Thr; replaces alanine 308 with threonine.
Molecular consequence: missense variant.
Genome position (GRCh38, 1-based): chr14:68,892,217, C>T on the plus strand (G>A on the coding strand, the complement: ACTN1 is on the minus strand). VCF-style: chr14-68892217-C-T. GRCh37 (hg19) VCF-style: chr14-69358934-C-T.
Other names: c.922G>A, p.Ala308Thr (NM_001102.4, NM_001130005.2, NM_001411035.1 and 9 more transcripts); c.727G>A, p.Ala243Thr (NM_001411036.1, NM_001424026.1, NM_001424028.1); c.1048G>A, p.Ala350Thr (NM_001424013.1); c.1009G>A, p.Ala337Thr (NM_001424015.1); c.97G>A, p.Ala33Thr (NM_001424030.1); c.919G>A, p.Ala307Thr (NM_001424017.1); c.859G>A, p.Ala287Thr (NM_001424018.1, NM_001424020.1, NM_001424022.1); c.853G>A, p.Ala285Thr (NM_001424021.1); short protein forms A308T, A33T, A243T, A337T, A350T, A285T, A287T, A307T.
Identifiers: ClinVar variation 2823659 (VCV002823659.3), dbSNP rs1235422095, ClinGen allele CA390188685.
Genomic context (GRCh38, chr14:68,892,217, plus strand): 5'-CCTTGGGCGGCTTGTGCAGGCGCCGGTAGTCCCGGAAGTCCTCCAGCTTCTGTTGCATGG[C>T]ATGCATGGTGTTCTCGGGCACCCGGTTCTCCAGCCACGGGATTGTGCGGCGGATCCACTC-3'
Protein context (NP_001123476.1, residues 298-318): ENRVPENTMH[Ala308Thr]MQQKLEDFRD

ClinVar aggregate classification (germline): Uncertain significance (1 of 4 stars; one submission).

Allele frequency attached by ClinVar (database versions not stated): gnomAD exomes below 0.00001.
gnomAD v4.1: 2 of 1,614,198 alleles (0.00012%); highest among the groups gnomAD compares: South Asian, 0.0011%; no homozygotes.

Submission:

Labcorp Genetics (formerly Invitae), Labcorp
Classification: Uncertain significance. Last evaluated: 2023-01-03. Review status: criteria provided, single submitter. Criteria: Invitae Variant Classification Sherloc (09022015). Collection method: clinical testing. Allele origin: germline.
Comment: In summary, the available evidence is currently insufficient to determine the role of this variant in disease. Therefore, it has been classified as a Variant of Uncertain Significance. Advanced modeling of protein sequence and biophysical properties (such as structural, functional, and spatial information, amino acid conservation, physicochemical variation, residue mobility, and thermodynamic stability) performed at Invitae indicates that this missense variant is not expected to disrupt ACTN1 protein function. This variant has not been reported in the literature in individuals affected with ACTN1-related conditions. This variant is present in population databases (no rsID available, gnomAD 0.003%). This sequence change replaces alanine, which is neutral and non-polar, with threonine, which is neutral and polar, at codon 308 of the ACTN1 protein (p.Ala308Thr).